The following is an entry in ClinVar:

NM_005273.4(GNB2):c.151C>A (p.Leu51Ile)

Gene: GNB2 (G protein subunit beta 2; plus strand). Cytogenetic location: 7q22.1.
Variant type: single nucleotide variant.
Coding change: c.151C>A on transcript NM_005273.4 (MANE Select); coding-DNA position 151, C replaced by A.
Protein change: p.Leu51Ile; replaces leucine 51 with isoleucine.
Molecular consequence: missense variant.
Genome position (GRCh38, 1-based): chr7:100,676,747, C>A. VCF-style: chr7-100676747-C-A. GRCh37 (hg19) VCF-style: chr7-100274370-C-A.
Other names: short protein forms L51I.
Identifiers: ClinVar variation 1707077 (VCV001707077.3), dbSNP rs2486195978, ClinGen allele CA368514017.

ClinVar aggregate classification (germline): Uncertain significance (1 of 4 stars; one submission).

Submission:

GeneDx
Classification: Uncertain significance. Last evaluated: 2023-05-26. Review status: criteria provided, single submitter. Criteria: GeneDx Variant Classification Process June 2021. Collection method: clinical testing. Allele origin: germline. Affected: yes.
Comment: Not observed at significant frequency in large population cohorts (gnomAD); In silico analysis supports that this missense variant does not alter protein structure/function; Has not been previously published as pathogenic or benign to our knowledge